The following is an entry in ClinVar:

ClinVar aggregate classification (germline): Uncertain significance. Review status: criteria provided, multiple submitters, no conflicts (2 of 4 stars). 2 submissions from 2 submitters: Uncertain significance (2). Last evaluated 2022-11-17.

Conditions:
Primary familial hypertrophic cardiomyopathy (HCM). Identifiers: Orphanet 99739, MedGen C0949658, MeSH D024741, MONDO:0024573. Inheritance: Various modes of inheritance.

Allele frequency attached by ClinVar (database versions not stated): TOPMed 0.00002.

Submissions (2):

Labcorp Genetics (formerly Invitae), Labcorp
Classification: Uncertain significance for Primary familial hypertrophic cardiomyopathy. Last evaluated: 2022-11-17. Review status: criteria provided, single submitter. Criteria: Invitae Variant Classification Sherloc (09022015). Collection method: clinical testing. Allele origin: germline.
Comment: In summary, the available evidence is currently insufficient to determine the role of this variant in disease. Therefore, it has been classified as a Variant of Uncertain Significance. Algorithms developed to predict the effect of missense changes on protein structure and function (SIFT, PolyPhen-2, Align-GVGD) all suggest that this variant is likely to be disruptive. This variant has not been reported in the literature in individuals affected with ILK-related conditions. This variant is not present in population databases (gnomAD no frequency). This sequence change replaces histidine, which is basic and polar, with tyrosine, which is neutral and polar, at codon 264 of the ILK protein (p.His264Tyr).

Ambry Genetics
Classification: Uncertain significance. Last evaluated: 2022-10-07. Review status: criteria provided, single submitter. Criteria: Ambry Variant Classification Scheme 2023. Collection method: clinical testing. Allele origin: germline.
Comment: The p.H264Y variant (also known as c.790C>T), located in coding exon 8 of the ILK gene, results from a C to T substitution at nucleotide position 790. The histidine at codon 264 is replaced by tyrosine, an amino acid with similar properties. This amino acid position is conserved. In addition, the in silico prediction for this alteration is inconclusive. Since supporting evidence is limited at this time, the clinical significance of this alteration remains unclear.

NM_004517.4(ILK):c.790C>T (p.His264Tyr)

Genes: ILK (integrin linked kinase; plus strand), TAF10 (TATA-box binding protein associated factor 10; minus strand). Cytogenetic location: 11p15.4.
Variant type: single nucleotide variant.
Coding change: c.790C>T on transcript NM_004517.4 (MANE Select); coding-DNA position 790, C replaced by T.
Protein change: p.His264Tyr; replaces histidine 264 with tyrosine.
Molecular consequence: missense variant. On other transcripts: 3 prime UTR variant (1).
Genome position (GRCh38, 1-based): chr11:6,609,573, C>T. VCF-style: chr11-6609573-C-T. GRCh37 (hg19) VCF-style: chr11-6630804-C-T.
Other names: c.790C>T, p.His264Tyr (NM_001014794.3, NM_001014795.3); c.607C>T, p.His203Tyr (NM_001278441.2); c.388C>T, p.His130Tyr (NM_001278442.2); c.*1349G>A (NM_006284.4); short protein forms H203Y, H264Y, H130Y.
Identifiers: ClinVar variation 1761171 (VCV001761171.7), dbSNP rs1855292222, ClinGen allele CA379462422.